The following is an entry in ClinVar:

NM_013276.4(SHPK):c.994C>T (p.His332Tyr)

Gene: SHPK (sedoheptulokinase; minus strand). Cytogenetic location: 17p13.2.
Variant type: single nucleotide variant.
Coding change: c.994C>T on transcript NM_013276.4 (MANE Select); coding-DNA position 994, C replaced by T.
Protein change: p.His332Tyr; replaces histidine 332 with tyrosine.
Molecular consequence: missense variant.
Genome position (GRCh38, 1-based): chr17:3,615,367, G>A on the plus strand (C>T on the coding strand, the complement: SHPK is on the minus strand). VCF-style: chr17-3615367-G-A. GRCh37 (hg19) VCF-style: chr17-3518661-G-A.
Other names: c.994C>T (NM_013276.2); short protein forms H332Y.
Identifiers: ClinVar variation 2906387 (VCV002906387.4), dbSNP rs140358564, ClinGen allele CA8291152.

ClinVar aggregate classification (germline): Uncertain significance. Review status: criteria provided, multiple submitters, no conflicts (2 of 4 stars). 2 submissions from 2 submitters: Uncertain significance (2). Last evaluated 2025-09-18.

Allele frequency attached by ClinVar (database versions not stated): gnomAD exomes 0.00001; ExAC 0.00006; ESP Exome Variant Server 0.00008; gnomAD 0.00010; TOPMed 0.00024; 1000 Genomes Project 0.00040; 1000 Genomes Project 30x 0.00047.
gnomAD v4.1: 38 of 1,614,196 alleles (0.0024%); highest among the groups gnomAD compares: African/African-American, 0.023%; no homozygotes.

Submissions (2):

Ambry Genetics
Classification: Uncertain significance. Last evaluated: 2025-09-18. Review status: criteria provided, single submitter. Criteria: Ambry Variant Classification Scheme 2023. Collection method: clinical testing. Allele origin: germline.

Labcorp Genetics (formerly Invitae), Labcorp
Classification: Uncertain significance. Last evaluated: 2023-11-16. Review status: criteria provided, single submitter. Criteria: Invitae Variant Classification Sherloc (09022015). Collection method: clinical testing. Allele origin: germline.
Comment: This sequence change replaces histidine, which is basic and polar, with tyrosine, which is neutral and polar, at codon 332 of the SHPK protein (p.His332Tyr). This variant is present in population databases (rs140358564, gnomAD 0.03%). This variant has not been reported in the literature in individuals affected with SHPK-related conditions. An algorithm developed to predict the effect of missense changes on protein structure and function (PolyPhen-2) suggests that this variant is likely to be tolerated. In summary, the available evidence is currently insufficient to determine the role of this variant in disease. Therefore, it has been classified as a Variant of Uncertain Significance.